The following is an entry in ClinVar:

NM_004006.3(DMD):c.3631_3632del (p.Glu1211fs)

Gene: DMD (dystrophin; minus strand). Cytogenetic location: Xp21.1.
Variant type: Deletion.
Coding change: c.3631_3632del on transcript NM_004006.3 (MANE Select); coding-DNA positions 3631 to 3632, 2 bases deleted (GA; older notation c.3631_3632delGA).
Protein change: p.Glu1211fs; shifts the reading frame from glutamic acid 1211.
Molecular consequence: frameshift variant.
Genome position (GRCh38, 1-based): chrX:32,448,610-32,448,611, TC deleted on the plus strand (GA on the coding strand, the reverse complement: DMD is on the minus strand); deleting any 2 consecutive bases within chrX:32,448,610-32,448,612 gives the same sequence; the c. name uses the placement nearest the transcript's 3' end. VCF-style (leftmost placement, unchanged base first): chrX-32448609-TTC-T. GRCh37 (hg19) VCF-style: chrX-32466726-TTC-T.
Other names: c.3607_3608del, p.Glu1203fs (NM_000109.4); c.3619_3620del, p.Glu1207fs (NM_004009.3); c.3262_3263del, p.Glu1088fs (NM_004010.3); c.3631_3632delGA (NM_004006.3); short protein forms E1088fs, E1203fs, E1207fs, E1211fs.
Identifiers: ClinVar variation 3896841 (VCV003896841.1).

ClinVar aggregate classification (germline): Likely pathogenic (1 of 4 stars; one submission).

Conditions:
Duchenne muscular dystrophy (DMD). Also called: Duchenne Muscular Dystrophy (DMD); MUSCULAR DYSTROPHY, PSEUDOHYPERTROPHIC PROGRESSIVE, DUCHENNE TYPE. Identifiers: Orphanet 98896, MedGen C0013264, MONDO:0010679, OMIM 310200.

Submission:

Kariminejad - Najmabadi Pathology & Genetics Center
Classification: Likely pathogenic for Duchenne muscular dystrophy. Last evaluated: 2024-03-16. Review status: criteria provided, single submitter. Criteria: ACMG Guidelines, 2015. Collection method: clinical testing. Allele origin: germline. Inheritance: X-linked inheritance. Affected: yes.
Comment: PVS1, PM2